The following is an entry in ClinVar:

NM_000540.3(RYR1):c.14647-1G>C

Gene: RYR1 (ryanodine receptor 1; plus strand). Cytogenetic location: 19q13.2.
Variant type: single nucleotide variant.
Coding change: c.14647-1G>C on transcript NM_000540.3 (MANE Select); the canonical splice acceptor site of the intron before coding-DNA position 14647, G replaced by C.
Molecular consequence: splice acceptor variant.
Genome position (GRCh38, 1-based): chr19:38,584,942, G>C. VCF-style: chr19-38584942-G-C. GRCh37 (hg19) VCF-style: chr19-39075582-G-C.
Other names: c.14632-1G>C (NM_001042723.2).
Identifiers: ClinVar variation 3773857 (VCV003773857.2).
Genomic context (GRCh38, chr19:38,584,942, plus strand): 5'-CCTTGGCTGGTACTCAGTGAATGTCGAATGAATGAGTGACCAGTGTGCTCCCCTCCCTCA[G>C]TGTTACCTGTTTCACATGTACGTGGGTGTCCGGGCTGGCGGAGGCATTGGGGACGAGATC-3'

ClinVar aggregate classification (germline): Likely pathogenic. Review status: criteria provided, multiple submitters, no conflicts (2 of 4 stars). 2 submissions from 2 submitters: Likely pathogenic (2). Last evaluated 2023-11-13.

Conditions:
RYR1-related disorder. Also called: RYR1-related condition; RYR1-related disorders. Identifiers: MedGen CN239331.

gnomAD v4.1: 2 of 1,613,866 alleles (0.00012%); highest among the groups gnomAD compares: East Asian, 0.0045%; no homozygotes.

Submissions (2):

Rady Children's Institute for Genomic Medicine, Rady Children's Hospital San Diego
Classification: Likely pathogenic for RYR1-Related Disorders. Last evaluated: 2023-11-13. Review status: criteria provided, single submitter. Criteria: ACMG Guidelines, 2015. Collection method: clinical testing. Allele origin: germline. Affected: yes.
Comment: This variant affects the canonical splice acceptor site of intron 101 and is therefore predicted to interfere with splicing and result in loss of normal protein function through either protein truncation or nonsense-mediated mRNA decay. Loss-of-function variation in RYR1 is an established mechanism of disease (PMID: 20839240). This variant has not been previously reported or functionally characterized in the literature to our knowledge. The c.14647-1G>C variant is present in the heterozygous state in the gnomAD population database at a frequency of 0.0004% (1/251054), and is absent in the homozygous state, thus is presumed to be rare. Based on the available evidence, c.14647-1G>C is classified as Likely Pathogenic.

Blueprint Genetics
Classification: Likely pathogenic for RYR1-related disorders. Last evaluated: 2021-04-23. Review status: criteria provided, single submitter. Criteria: ACMG Guidelines, 2015. Collection method: clinical testing. Allele origin: germline. Affected: yes. Observed: 5 variant alleles.

Literature cited by the submitters: PubMed 20839240 (cited by Rady Children's Institute for Genomic Medicine, Rady Children's Hospital San Diego).